The following is an entry in ClinVar:

NM_138420.4(AHNAK2):c.6141C>T (p.Val2047=)

Gene: AHNAK2 (AHNAK nucleoprotein 2; minus strand). Cytogenetic location: 14q32.33.
Variant type: single nucleotide variant.
Coding change: c.6141C>T on transcript NM_138420.4 (MANE Select); coding-DNA position 6141, C replaced by T.
Protein change: p.Val2047=; no amino-acid change (valine 2047 retained).
Molecular consequence: synonymous variant.
Genome position (GRCh38, 1-based): chr14:104,949,310, G>A on the plus strand (C>T on the coding strand, the complement: AHNAK2 is on the minus strand). VCF-style: chr14-104949310-G-A. GRCh37 (hg19) VCF-style: chr14-105415647-G-A.
Other names: c.5841C>T, p.Val1947= (NM_001350929.2).
Identifiers: ClinVar variation 4281461 (VCV004281461.7).

ClinVar aggregate classification (germline): Likely benign (1 of 4 stars; one submission).

gnomAD v4.1: 71 of 1,087,348 alleles (0.0065%); highest among the groups gnomAD compares: Admixed American, 0.11%; 21 homozygotes.

Submission:

CeGaT Center for Human Genetics Tuebingen
Classification: Likely benign. Last evaluated: 2025-09-01. Review status: criteria provided, single submitter. Criteria: CeGaT Center For Human Genetics Tuebingen Variant Classification Criteria Version 2. Collection method: clinical testing. Allele origin: germline. Affected: yes. Observed: 1 variant allele.
Comment: AHNAK2: BP4, BP7, BS2